The following is an entry in ClinVar:

NM_000326.5(RLBP1):c.140A>C (p.Lys47Thr)

Gene: RLBP1 (retinaldehyde binding protein 1; minus strand). Cytogenetic location: 15q26.1.
Variant type: single nucleotide variant.
Coding change: c.140A>C on transcript NM_000326.5 (MANE Select); coding-DNA position 140, A replaced by C.
Protein change: p.Lys47Thr; replaces lysine 47 with threonine.
Molecular consequence: missense variant.
Genome position (GRCh38, 1-based): chr15:89,218,566, T>G on the plus strand (A>C on the coding strand, the complement: RLBP1 is on the minus strand). VCF-style: chr15-89218566-T-G. GRCh37 (hg19) VCF-style: chr15-89761797-T-G.
Other names: short protein forms K47T.
Identifiers: ClinVar variation 1993778 (VCV001993778.4), dbSNP rs2505864978, ClinGen allele CA393731655.

ClinVar aggregate classification (germline): Uncertain significance (1 of 4 stars; one submission).

Submission:

Labcorp Genetics (formerly Invitae), Labcorp
Classification: Uncertain significance. Last evaluated: 2022-05-12. Review status: criteria provided, single submitter. Criteria: Invitae Variant Classification Sherloc (09022015). Collection method: clinical testing. Allele origin: germline.
Comment: This variant has not been reported in the literature in individuals affected with RLBP1-related conditions. In summary, the available evidence is currently insufficient to determine the role of this variant in disease. Therefore, it has been classified as a Variant of Uncertain Significance. Algorithms developed to predict the effect of missense changes on protein structure and function are either unavailable or do not agree on the potential impact of this missense change (SIFT: "Tolerated"; PolyPhen-2: "Probably Damaging"; Align-GVGD: "Class C0"). This variant is not present in population databases (gnomAD no frequency). This sequence change replaces lysine, which is basic and polar, with threonine, which is neutral and polar, at codon 47 of the RLBP1 protein (p.Lys47Thr).